The following is an entry in ClinVar:

ClinVar aggregate classification (germline): Uncertain significance. Review status: criteria provided, single submitter (1 of 4 stars). 2 submissions from 2 submitters: Uncertain significance (1). 1 of the submissions does not count toward it. Last evaluated 2018-01-12.

Conditions:
Obesity due to congenital leptin deficiency. Also called: Leptin deficiency or dysfunction. Identifiers: Orphanet 66628, MedGen C3554224, MONDO:0013991, OMIM 614962.
LEP-related disorder. Also called: LEP-related condition.

Allele frequency attached by ClinVar (database versions not stated): ExAC 0.00002; gnomAD 0.00002; gnomAD exomes 0.00002; TOPMed 0.00002.
gnomAD v4.1: 33 of 1,614,016 alleles (0.002%); highest among the groups gnomAD compares: Admixed American, 0.005%; no homozygotes.

Submissions (2):

Illumina Laboratory Services, Illumina
Classification: Uncertain significance for Obesity due to congenital leptin deficiency. Last evaluated: 2018-01-12. Review status: criteria provided, single submitter. Criteria: ICSL Variant Classification Criteria 13 December 2019. Collection method: clinical testing. Allele origin: germline.

PreventionGenetics, part of Exact Sciences
Classification: Uncertain significance for LEP-related condition. Last evaluated: 2024-02-20. Review status: no assertion criteria provided. Collection method: clinical testing. Allele origin: germline. Not counted in ClinVar's aggregate classification.
Comment: The LEP c.143C>T variant is predicted to result in the amino acid substitution p.Thr48Met. To our knowledge, this variant has not been reported in the literature. This variant is reported in 0.0062% of alleles in individuals of African descent in gnomAD. At this time, the clinical significance of this variant is uncertain due to the absence of conclusive functional and genetic evidence.

NM_000230.3(LEP):c.143C>T (p.Thr48Met)

Gene: LEP (leptin; plus strand). Cytogenetic location: 7q32.1.
Variant type: single nucleotide variant.
Coding change: c.143C>T on transcript NM_000230.3 (MANE Select); coding-DNA position 143, C replaced by T.
Protein change: p.Thr48Met; replaces threonine 48 with methionine.
Molecular consequence: missense variant.
Genome position (GRCh38, 1-based): chr7:128,252,161, C>T. VCF-style: chr7-128252161-C-T. GRCh37 (hg19) VCF-style: chr7-127892214-C-T.
Other names: short protein forms T48M.
Identifiers: ClinVar variation 910457 (VCV000910457.5), dbSNP rs770247453, ClinGen allele CA4469638.